The following is an entry in ClinVar:

NM_001211.6(BUB1B):c.1602T>G (p.Phe534Leu)

Gene: BUB1B (BUB1 mitotic checkpoint serine/threonine kinase B; plus strand). Cytogenetic location: 15q15.1.
Variant type: single nucleotide variant.
Coding change: c.1602T>G on transcript NM_001211.6 (MANE Select); coding-DNA position 1602, T replaced by G.
Protein change: p.Phe534Leu; replaces phenylalanine 534 with leucine.
Molecular consequence: missense variant.
Genome position (GRCh38, 1-based): chr15:40,202,439, T>G. VCF-style: chr15-40202439-T-G. GRCh37 (hg19) VCF-style: chr15-40494640-T-G.
Other names: short protein forms F534L.
Identifiers: ClinVar variation 2136974 (VCV002136974.6), dbSNP rs771608041, ClinGen allele CA7475817.
Genomic context (GRCh38, chr15:40,202,439, plus strand): 5'-TATGTATCTAGTCTCTCTTTCTCTAGGTCCCAGTGTACCTTTCTCCATTTTTGATGAGTT[T>G]CTTCTTTCAGAAAAGAAGAATAAAAGGTACGTTGTTTTTTTGTTTTTTTGGTTTTTTTTT-3'
Protein context (NP_001202.5, residues 524-544): PSVPFSIFDE[Phe534Leu]LLSEKKNKSP

ClinVar aggregate classification (germline): Uncertain significance. Review status: criteria provided, multiple submitters, no conflicts (2 of 4 stars). 3 submissions from 3 submitters: Uncertain significance (3). Last evaluated 2024-09-25.

Conditions:
Inborn genetic diseases. Identifiers: MedGen C0950123, MeSH D030342.
Mosaic variegated aneuploidy syndrome 1 (MVA1). Also called: Warburton-Anyane-Yeboa syndrome. Identifiers: Orphanet 1052, MedGen C1850343, MONDO:0009759, OMIM 257300.

Allele frequency attached by ClinVar (database versions not stated): gnomAD exomes 0.00001; ExAC 0.00003.
gnomAD v4.1: 14 of 1,612,422 alleles (0.00087%); highest among the groups gnomAD compares: South Asian, 0.013%; no homozygotes.

Submissions (3):

Ambry Genetics
Classification: Uncertain significance for Inborn genetic diseases. Last evaluated: 2024-09-25. Review status: criteria provided, single submitter. Criteria: Ambry Variant Classification Scheme 2023. Collection method: clinical testing. Allele origin: germline.

Labcorp Genetics (formerly Invitae), Labcorp
Classification: Uncertain significance for Mosaic variegated aneuploidy syndrome 1. Last evaluated: 2022-10-05. Review status: criteria provided, single submitter. Criteria: Invitae Variant Classification Sherloc (09022015). Collection method: clinical testing. Allele origin: germline.
Comment: This variant has not been reported in the literature in individuals affected with BUB1B-related conditions. This sequence change replaces phenylalanine, which is neutral and non-polar, with leucine, which is neutral and non-polar, at codon 534 of the BUB1B protein (p.Phe534Leu). This variant is present in population databases (rs771608041, gnomAD 0.03%). Algorithms developed to predict the effect of missense changes on protein structure and function (SIFT, PolyPhen-2, Align-GVGD) all suggest that this variant is likely to be tolerated. In summary, the available evidence is currently insufficient to determine the role of this variant in disease. Therefore, it has been classified as a Variant of Uncertain Significance.

Neuberg Centre For Genomic Medicine, NCGM
Classification: Uncertain significance for Mosaic variegated aneuploidy syndrome 1. Review status: criteria provided, single submitter. Criteria: ACMG Guidelines, 2015. Collection method: clinical testing. Allele origin: germline. Inheritance: Autosomal recessive inheritance. Affected: yes.
Comment: The missense variant in c.1602T>G (p.Phe534Leu) in BUB1B gene has not been reported previously as a pathogenic variant nor as a benign variant, to our knowledge. The p.Phe534Leu variant is reported with the allele frequency of 0.003194% in gnomAD and is novel (not in any individuals) in 1000 Genomes. The amino acid Phe at position 534 is changed to a Leu changing protein sequence and it might alter its composition and physico-chemical properties. In silico tools predict the variant to be tolerated. The residue is conserved across species. The amino acid change p.Phe534Leu in BUB1B is predicted as conserved by GERP++ and PhyloP across 100 vertebrates. For these reasons, this variant has been classified as Uncertain Significance.